The following is an entry in ClinVar:

ClinVar aggregate classification (germline): Uncertain significance (1 of 4 stars; one submission).

Conditions:
Menkes kinky-hair syndrome (MNK). Also called: Copper transport disease; Menkes Disease; Classic Menkes Disease. Identifiers: Orphanet 565, MedGen C0022716, MONDO:0010651, OMIM 309400.
Cutis laxa, X-linked (OHS). Also called: EDS IX; Occipital horn syndrome. Identifiers: Orphanet 198, MedGen C0268353, MONDO:0010572, OMIM 304150.
X-linked distal spinal muscular atrophy type 3. Also called: ATP7A-Related Distal Motor Neuropathy; SPINAL MUSCULAR ATROPHY, DISTAL, X-LINKED RECESSIVE; NEURONOPATHY, DISTAL HEREDITARY MOTOR, X-LINKED; NEUROPATHY, DISTAL HEREDITARY MOTOR, X-LINKED. Identifiers: Orphanet 139557, MedGen C1845359, MONDO:0010338, OMIM 300489.

Submission:

Labcorp Genetics (formerly Invitae), Labcorp
Classification: Uncertain significance for X-linked distal spinal muscular atrophy type 3; Cutis laxa, X-linked; Menkes kinky-hair syndrome. Last evaluated: 2022-06-27. Review status: criteria provided, single submitter. Criteria: Invitae Variant Classification Sherloc (09022015). Collection method: clinical testing. Allele origin: germline.
Comment: In summary, the available evidence is currently insufficient to determine the role of this variant in disease. Therefore, it has been classified as a Variant of Uncertain Significance. Advanced modeling of protein sequence and biophysical properties (such as structural, functional, and spatial information, amino acid conservation, physicochemical variation, residue mobility, and thermodynamic stability) performed at Invitae indicates that this missense variant is not expected to disrupt ATP7A protein function. This variant has not been reported in the literature in individuals affected with ATP7A-related conditions. This variant is not present in population databases (gnomAD no frequency). This sequence change replaces serine, which is neutral and polar, with proline, which is neutral and non-polar, at codon 300 of the ATP7A protein (p.Ser300Pro).

NM_000052.7(ATP7A):c.898T>C (p.Ser300Pro)

Gene: ATP7A (ATPase copper transporting alpha; plus strand). Cytogenetic location: Xq21.1.
Variant type: single nucleotide variant.
Coding change: c.898T>C on transcript NM_000052.7 (MANE Select); coding-DNA position 898, T replaced by C.
Protein change: p.Ser300Pro; replaces serine 300 with proline.
Molecular consequence: missense variant.
Genome position (GRCh38, 1-based): chrX:77,989,520, T>C. VCF-style: chrX-77989520-T-C. GRCh37 (hg19) VCF-style: chrX-77245016-T-C.
Other names: c.898T>C, p.Ser300Pro (NM_001282224.2); short protein forms S300P.
Identifiers: ClinVar variation 2011470 (VCV002011470.4), dbSNP rs2522293729, ClinGen allele CA413601369.